The following is an entry in ClinVar:

ClinVar aggregate classification (germline): Uncertain significance (1 of 4 stars; one submission).

Conditions:
Fetal akinesia deformation sequence 1 (FADS1). Also called: Pena-Shokeir syndrome type I; Fetal akinesia sequence. Identifiers: Orphanet 994, MedGen C1276035, MONDO:0100101, OMIM 208150, HP:0001989.
Congenital myasthenic syndrome 9. Also called: Myasthenic syndrome, congenital, 9, associated with acetylcholine receptor deficiency. Identifiers: Orphanet 590, MedGen C4225368, MONDO:0014587, OMIM 616325.

Allele frequency attached by ClinVar (database versions not stated): TOPMed below 0.00001; gnomAD 0.00001; gnomAD exomes 0.00001.
gnomAD v4.1: 18 of 1,522,188 alleles (0.0012%); highest among the groups gnomAD compares: Non-Finnish European, 0.0016%; no homozygotes.

Submission:

Labcorp Genetics (formerly Invitae), Labcorp
Classification: Uncertain significance for Congenital myasthenic syndrome 9; Fetal akinesia deformation sequence 1. Last evaluated: 2021-08-27. Review status: criteria provided, single submitter. Criteria: Invitae Variant Classification Sherloc (09022015). Collection method: clinical testing. Allele origin: germline.
Comment: This sequence change replaces cysteine with phenylalanine at codon 860 of the MUSK protein (p.Cys860Phe). The cysteine residue is moderately conserved and there is a large physicochemical difference between cysteine and phenylalanine. This variant is not present in population databases (ExAC no frequency). This variant has not been reported in the literature in individuals affected with MUSK-related conditions. Advanced modeling of protein sequence and biophysical properties (such as structural, functional, and spatial information, amino acid conservation, physicochemical variation, residue mobility, and thermodynamic stability) performed at Invitae indicates that this missense variant is not expected to disrupt MUSK protein function. In summary, the available evidence is currently insufficient to determine the role of this variant in disease. Therefore, it has been classified as a Variant of Uncertain Significance.

NM_005592.4(MUSK):c.2579G>T (p.Cys860Phe)

Gene: MUSK (muscle associated receptor tyrosine kinase; plus strand). Cytogenetic location: 9q31.3.
Variant type: single nucleotide variant.
Coding change: c.2579G>T on transcript NM_005592.4 (MANE Select); coding-DNA position 2579, G replaced by T.
Protein change: p.Cys860Phe; replaces cysteine 860 with phenylalanine.
Molecular consequence: missense variant.
Genome position (GRCh38, 1-based): chr9:110,800,957, G>T. VCF-style: chr9-110800957-G-T. GRCh37 (hg19) VCF-style: chr9-113563237-G-T.
Other names: c.2321G>T, p.Cys774Phe (NM_001166280.2); c.2291G>T, p.Cys764Phe (NM_001166281.2); c.1319G>T, p.Cys440Phe (NM_001369398.1); short protein forms C440F, C860F, C764F, C774F.
Identifiers: ClinVar variation 1437978 (VCV001437978.5), dbSNP rs748071334, ClinGen allele CA198364020.